The following is an entry in ClinVar:

ClinVar aggregate classification (germline): Uncertain significance. Review status: criteria provided, multiple submitters, no conflicts (2 of 4 stars). 3 submissions from 3 submitters: Uncertain significance (3). Last evaluated 2023-10-14.

Conditions:
Nephrolithiasis/nephrocalcinosis. Identifiers: MedGen CN580796.
Familial hypocalciuric hypercalcemia 1. Also called: Hypercalcemia, familial benign type 1. Identifiers: Orphanet 405, Orphanet 93372, MedGen C0342637, MONDO:0007791, OMIM 145980.
Neonatal severe primary hyperparathyroidism. Identifiers: Orphanet 417, MedGen C1832615, MONDO:0009397, OMIM 239200.
Autosomal dominant hypocalcemia 1 (HYPOC1). Also called: HYPOCALCEMIA, FAMILIAL. Identifiers: MedGen C3715128, MONDO:0011013, OMIM 601198.
Epilepsy, idiopathic generalized, susceptibility to, 8. Identifiers: MedGen C2752062, MONDO:0013032, OMIM 612899.
Familial hypocalciuric hypercalcemia (FHH). Also called: Familial benign hypercalcemia. Identifiers: Orphanet 405, MedGen C1809471, MONDO:0018458.

Submissions (3):

Labcorp Genetics (formerly Invitae), Labcorp
Classification: Uncertain significance for Familial hypocalciuric hypercalcemia; Autosomal dominant hypocalcemia 1. Last evaluated: 2023-10-14. Review status: criteria provided, single submitter. Criteria: Invitae Variant Classification Sherloc (09022015). Collection method: clinical testing. Allele origin: germline.
Comment: This sequence change replaces serine, which is neutral and polar, with leucine, which is neutral and non-polar, at codon 607 of the CASR protein (p.Ser607Leu). This variant is not present in population databases (gnomAD no frequency). This variant has not been reported in the literature in individuals affected with CASR-related conditions. ClinVar contains an entry for this variant (Variation ID: 463912). An algorithm developed to predict the effect of missense changes on protein structure and function (PolyPhen-2) suggests that this variant is likely to be tolerated. In summary, the available evidence is currently insufficient to determine the role of this variant in disease. Therefore, it has been classified as a Variant of Uncertain Significance.

Fulgent Genetics
Classification: Uncertain significance for Familial hypocalciuric hypercalcemia 1; Neonatal severe primary hyperparathyroidism; Autosomal dominant hypocalcemia 1; Epilepsy, idiopathic generalized, susceptibility to, 8. Last evaluated: 2022-03-28. Review status: criteria provided, single submitter. Criteria: ACMG Guidelines, 2015. Collection method: clinical testing. Allele origin: unknown.

Ambry Genetics
Classification: Uncertain significance for Nephrolithiasis/nephrocalcinosis. Last evaluated: 2021-11-22. Review status: criteria provided, single submitter. Criteria: Ambry Variant Classification Scheme 2023. Collection method: clinical testing. Allele origin: germline.
Comment: The p.S607L variant (also known as c.1820C>T), located in coding exon 6 of the CASR gene, results from a C to T substitution at nucleotide position 1820. The serine at codon 607 is replaced by leucine, an amino acid with dissimilar properties. This amino acid position is conserved. In addition, the in silico prediction for this alteration is inconclusive. Since supporting evidence is limited at this time, the clinical significance of this alteration remains unclear.

NM_000388.4(CASR):c.1820C>T (p.Ser607Leu)

Gene: CASR (calcium sensing receptor; plus strand). Cytogenetic location: 3q21.1.
Variant type: single nucleotide variant.
Coding change: c.1820C>T on transcript NM_000388.4 (MANE Select); coding-DNA position 1820, C replaced by T.
Protein change: p.Ser607Leu; replaces serine 607 with leucine.
Molecular consequence: missense variant.
Genome position (GRCh38, 1-based): chr3:122,283,774, C>T. VCF-style: chr3-122283774-C-T. GRCh37 (hg19) VCF-style: chr3-122002621-C-T.
Other names: c.1850C>T, p.Ser617Leu (NM_001178065.2); short protein forms S607L, S617L.
Identifiers: ClinVar variation 463912 (VCV000463912.12), dbSNP rs1052956823, ClinGen allele CA82748557.